The following is an entry in ClinVar:

ClinVar aggregate classification (germline): Uncertain significance (1 of 4 stars; one submission).

Conditions:
Catecholaminergic polymorphic ventricular tachycardia 1. Also called: VENTRICULAR TACHYCARDIA, STRESS-INDUCED POLYMORPHIC 1; VENTRICULAR TACHYCARDIA, CATECHOLAMINERGIC POLYMORPHIC, 1, WITH OR WITHOUT ATRIAL DYSFUNCTION AND/OR DILATED CARDIOMYOPATHY; RYR2-Related Catecholaminergic Polymorphic Ventricular Tachycardia. Identifiers: Orphanet 3286, MedGen C1631597, MONDO:0011484, OMIM 604772.

Submission:

Labcorp Genetics (formerly Invitae), Labcorp
Classification: Uncertain significance for Catecholaminergic polymorphic ventricular tachycardia 1. Last evaluated: 2025-06-30. Review status: criteria provided, single submitter. Criteria: Invitae Variant Classification Sherloc (09022015). Collection method: clinical testing. Allele origin: germline.
Comment: This sequence change replaces glycine, which is neutral and non-polar, with serine, which is neutral and polar, at codon 2110 of the RYR2 protein (p.Gly2110Ser). This variant is not present in population databases (gnomAD no frequency). This variant has not been reported in the literature in individuals affected with RYR2-related conditions. Invitae Evidence Modeling of protein sequence and biophysical properties (such as structural, functional, and spatial information, amino acid conservation, physicochemical variation, residue mobility, and thermodynamic stability) indicates that this missense variant is not expected to disrupt RYR2 protein function with a negative predictive value of 95%. In summary, the available evidence is currently insufficient to determine the role of this variant in disease. Therefore, it has been classified as a Variant of Uncertain Significance.

NM_001035.3(RYR2):c.6328G>A (p.Gly2110Ser)

Gene: RYR2 (ryanodine receptor 2; plus strand). Cytogenetic location: 1q43.
Variant type: single nucleotide variant.
Coding change: c.6328G>A on transcript NM_001035.3 (MANE Select); coding-DNA position 6328, G replaced by A.
Protein change: p.Gly2110Ser; replaces glycine 2110 with serine.
Molecular consequence: missense variant.
Genome position (GRCh38, 1-based): chr1:237,627,968, G>A. VCF-style: chr1-237627968-G-A. GRCh37 (hg19) VCF-style: chr1-237791268-G-A.
Other names: short protein forms G2110S.
Identifiers: ClinVar variation 4805504 (VCV004805504.1).